The following is an entry in ClinVar:

NM_004380.3(CREBBP):c.2893G>C (p.Ala965Pro)

Gene: CREBBP (CREB binding lysine acetyltransferase; minus strand). Cytogenetic location: 16p13.3.
Variant type: single nucleotide variant.
Coding change: c.2893G>C on transcript NM_004380.3 (MANE Select); coding-DNA position 2893, G replaced by C.
Protein change: p.Ala965Pro; replaces alanine 965 with proline.
Molecular consequence: missense variant.
Genome position (GRCh38, 1-based): chr16:3,769,341, C>G on the plus strand (G>C on the coding strand, the complement: CREBBP is on the minus strand). VCF-style: chr16-3769341-C-G. GRCh37 (hg19) VCF-style: chr16-3819342-C-G.
Other names: c.2779G>C, p.Ala927Pro (NM_001079846.1); short protein forms A927P, A965P.
Identifiers: ClinVar variation 4709775 (VCV004709775.1).

ClinVar aggregate classification (germline): Uncertain significance (1 of 4 stars; one submission).

Conditions:
Rubinstein-Taybi syndrome (RSTS). Identifiers: Orphanet 783, MedGen C0035934, MONDO:0019188.

Submission:

Labcorp Genetics (formerly Invitae), Labcorp
Classification: Uncertain significance for Rubinstein-Taybi syndrome. Last evaluated: 2025-06-17. Review status: criteria provided, single submitter. Criteria: Invitae Variant Classification Sherloc (09022015). Collection method: clinical testing. Allele origin: germline.
Comment: This sequence change replaces alanine, which is neutral and non-polar, with proline, which is neutral and non-polar, at codon 965 of the CREBBP protein (p.Ala965Pro). This variant is not present in population databases (gnomAD no frequency). This variant has not been reported in the literature in individuals affected with CREBBP-related conditions. Invitae Evidence Modeling of protein sequence and biophysical properties (such as structural, functional, and spatial information, amino acid conservation, physicochemical variation, residue mobility, and thermodynamic stability) indicates that this missense variant is not expected to disrupt CREBBP protein function with a negative predictive value of 95%. In summary, the available evidence is currently insufficient to determine the role of this variant in disease. Therefore, it has been classified as a Variant of Uncertain Significance.